The following is an entry in ClinVar:

NM_000038.6(APC):c.1655C>G (p.Ser552Cys)

Gene: APC (APC regulator of Wnt signaling pathway; plus strand). Cytogenetic location: 5q22.2.
Variant type: single nucleotide variant.
Coding change: c.1655C>G on transcript NM_000038.6 (MANE Select); coding-DNA position 1655, C replaced by G.
Protein change: p.Ser552Cys; replaces serine 552 with cysteine.
Molecular consequence: missense variant.
Genome position (GRCh38, 1-based): chr5:112,828,884, C>G. VCF-style: chr5-112828884-C-G. GRCh37 (hg19) VCF-style: chr5-112164581-C-G.
Other names: c.1655C>G, p.Ser552Cys (NM_001127510.3, NM_001354895.2); c.1601C>G, p.Ser534Cys (NM_001127511.3); c.1709C>G, p.Ser570Cys (NM_001354896.2); c.1685C>G, p.Ser562Cys (NM_001354897.2); c.1580C>G, p.Ser527Cys (NM_001354898.2); c.1571C>G, p.Ser524Cys (NM_001354899.2); c.1532C>G, p.Ser511Cys (NM_001354900.2); c.1478C>G, p.Ser493Cys (NM_001354901.2); and 5 more; short protein forms S534C, S552C, S493C, S562C, S392C, S511C, S269C, S461C.
Identifiers: ClinVar variation 568451 (VCV000568451.14), dbSNP rs1561557447, ClinGen allele CA16024927.

ClinVar aggregate classification (germline): Uncertain significance. Review status: criteria provided, multiple submitters, no conflicts (2 of 4 stars). 2 submissions from 2 submitters: Uncertain significance (2). Last evaluated 2023-05-16.

Conditions:
Classic or attenuated familial adenomatous polyposis. Identifiers: MedGen CN372698, MONDO:0021057.
Familial adenomatous polyposis 1 (FAP1). Also called: FAMILIAL ADENOMATOUS POLYPOSIS 1, ATTENUATED; POLYPOSIS, ADENOMATOUS INTESTINAL. Identifiers: MedGen C2713442, MONDO:0021056, OMIM 175100. Disease mechanism: loss of function.

Allele frequency attached by ClinVar (database versions not stated): gnomAD 0.00001; TOPMed 0.00001.
gnomAD v4.1: 1 of 1,613,540 alleles (0.000062%); highest among the groups gnomAD compares: Admixed American, 0.0017%; no homozygotes.

Submissions (2):

All of Us Research Program, National Institutes of Health
Classification: Uncertain significance for Classic or attenuated familial adenomatous polyposis. Last evaluated: 2023-05-16. Review status: criteria provided, single submitter. Criteria: ACMG Guidelines, 2015. Collection method: clinical testing. Allele origin: germline. Inheritance: Autosomal dominant inheritance. Observed: 1 variant allele, 1 heterozygote.
Comment: This missense variant replaces serine with cysteine at codon 552 of the APC protein. Computational prediction suggests that this variant may have deleterious impact on protein structure and function (internally defined REVEL score threshold >= 0.7, PMID: 27666373). To our knowledge, functional studies have not been reported for this variant. This variant has not been reported in individuals affected with APC-related disorders in the literature. This variant has not been identified in the general population by the Genome Aggregation Database (gnomAD). The available evidence is insufficient to determine the role of this variant in disease conclusively. Therefore, this variant is classified as a Variant of Uncertain Significance.

This study involves interpretation of variants in research participants for the purpose of population health screening. Participant phenotype was not available at the time of variant classification. Additional details can be found in publication PMID: 35346344, PMCID: PMC8962531

Labcorp Genetics (formerly Invitae), Labcorp
Classification: Uncertain significance for Familial adenomatous polyposis 1. Last evaluated: 2019-08-21. Review status: criteria provided, single submitter. Criteria: Invitae Variant Classification Sherloc (09022015). Collection method: clinical testing. Allele origin: germline.
Comment: This variant has not been reported in the literature in individuals with APC-related disease. In summary, the available evidence is currently insufficient to determine the role of this variant in disease. Therefore, it has been classified as a Variant of Uncertain Significance. Algorithms developed to predict the effect of missense changes on protein structure and function (SIFT, PolyPhen-2, Align-GVGD) all suggest that this variant is likely to be disruptive, but these predictions have not been confirmed by published functional studies and their clinical significance is uncertain. This variant is not present in population databases (ExAC no frequency). This sequence change replaces serine with cysteine at codon 552 of the APC protein (p.Ser552Cys). The serine residue is highly conserved and there is a moderate physicochemical difference between serine and cysteine.